The following is an entry in ClinVar:

ClinVar aggregate classification (germline): Pathogenic (1 of 4 stars; one submission).

Conditions:
Actin accumulation myopathy (CMYO2A). Also called: Myopathy, actin, congenital, with cores; Nemaline myopathy 3, with intranuclear rods; Nemaline myopathy type 3; Myopathy, actin, congenital, with excess of thin myofilaments; CONGENITAL MYOPATHY 2A, TYPICAL, AUTOSOMAL DOMINANT. Identifiers: Orphanet 98904, MedGen C3711389, MONDO:0008070, OMIM 161800.

Submission:

Labcorp Genetics (formerly Invitae), Labcorp
Classification: Pathogenic for Actin accumulation myopathy. Last evaluated: 2022-07-18. Review status: criteria provided, single submitter. Criteria: Invitae Variant Classification Sherloc (09022015). Collection method: clinical testing. Allele origin: germline.
Comment: This sequence change replaces alanine, which is neutral and non-polar, with valine, which is neutral and non-polar, at codon 206 of the ACTA1 protein (p.Ala206Val). For these reasons, this variant has been classified as Pathogenic. This variant disrupts the p.Ala206 amino acid residue in ACTA1. Other variant(s) that disrupt this residue have been determined to be pathogenic (PMID: 19562689). This suggests that this residue is clinically significant, and that variants that disrupt this residue are likely to be disease-causing. Algorithms developed to predict the effect of missense changes on protein structure and function are either unavailable or do not agree on the potential impact of this missense change (SIFT: "Tolerated"; PolyPhen-2: "Possibly Damaging"; Align-GVGD: "Class C0"). ClinVar contains an entry for this variant (Variation ID: 650485). This missense change has been observed in individual(s) with an ACTA1-related condition (Invitae). In at least one individual the variant was observed to be de novo. This variant is not present in population databases (gnomAD no frequency).

Literature cited by the submitters: PubMed 19562689.

NM_001100.4(ACTA1):c.617C>T (p.Ala206Val)

Gene: ACTA1 (actin alpha 1, skeletal muscle; minus strand). Cytogenetic location: 1q42.13.
Variant type: single nucleotide variant.
Coding change: c.617C>T on transcript NM_001100.4 (MANE Select); coding-DNA position 617, C replaced by T.
Protein change: p.Ala206Val; replaces alanine 206 with valine.
Molecular consequence: missense variant.
Genome position (GRCh38, 1-based): chr1:229,432,185, G>A on the plus strand (C>T on the coding strand, the complement: ACTA1 is on the minus strand). VCF-style: chr1-229432185-G-A. GRCh37 (hg19) VCF-style: chr1-229567932-G-A.
Other names: short protein forms A206V.
Identifiers: ClinVar variation 650485 (VCV000650485.11), dbSNP rs1571893145, ClinGen allele CA345147543.
Genomic context (GRCh38, chr1:229,432,185, plus strand): 5'-TCGAAGTCCAGGGCCACGTAGCACAGCTTCTCCTTGATGTCGCGCACGATCTCGCGCTCA[G>A]CTGCGGAGGGCAGAAGCAGGAGAGGAGCCCTCACTCAGGGGCCGCCGCCGGCCCTCCCGC-3'
Protein context (NP_001091.1, residues 196-216): TERGYSFVTT[Ala206Val]EREIVRDIKE